The following is an entry in ClinVar:

ClinVar aggregate classification (germline): Uncertain significance (1 of 4 stars; one submission).

Conditions:
Naxos disease (NXD). Also called: KERATOSIS PALMOPLANTARIS WITH ARRHYTHMOGENIC CARDIOMYOPATHY; MAL DE NAXOS; PALMOPLANTAR KERATODERMA WITH ARRHYTHMOGENIC RIGHT VENTRICULAR CARDIOMYOPATHY AND WOOLLY HAIR; WOOLLY HAIR, PALMOPLANTAR KERATODERMA, AND CARDIAC ABNORMALITIES; CARDIOMYOPATHY, ARRHYTHMOGENIC RIGHT VENTRICULAR, WITH SKIN, HAIR, AND NAIL ABNORMALITIES. Identifiers: Orphanet 34217, MedGen C1832600, MONDO:0011017, OMIM 601214.
Arrhythmogenic right ventricular dysplasia 12. Also called: ARRHYTHMOGENIC RIGHT VENTRICULAR DYSPLASIA, FAMILIAL, 12. Identifiers: MedGen C1969081, MONDO:0012684, OMIM 611528.

Submission:

Labcorp Genetics (formerly Invitae), Labcorp
Classification: Uncertain significance for Arrhythmogenic right ventricular dysplasia 12; Naxos disease. Last evaluated: 2024-03-03. Review status: criteria provided, single submitter. Criteria: Invitae Variant Classification Sherloc (09022015). Collection method: clinical testing. Allele origin: germline.
Comment: This sequence change replaces histidine, which is basic and polar, with proline, which is neutral and non-polar, at codon 129 of the JUP protein (p.His129Pro). This variant is not present in population databases (gnomAD no frequency). This variant has not been reported in the literature in individuals affected with JUP-related conditions. An algorithm developed to predict the effect of missense changes on protein structure and function (PolyPhen-2) suggests that this variant is likely to be disruptive. In summary, the available evidence is currently insufficient to determine the role of this variant in disease. Therefore, it has been classified as a Variant of Uncertain Significance.

NM_002230.4(JUP):c.386A>C (p.His129Pro)

Gene: JUP (junction plakoglobin; minus strand). Cytogenetic location: 17q21.2.
Variant type: single nucleotide variant.
Coding change: c.386A>C on transcript NM_002230.4 (MANE Select); coding-DNA position 386, A replaced by C.
Protein change: p.His129Pro; replaces histidine 129 with proline.
Molecular consequence: missense variant.
Genome position (GRCh38, 1-based): chr17:41,769,500, T>G on the plus strand (A>C on the coding strand, the complement: JUP is on the minus strand). VCF-style: chr17-41769500-T-G. GRCh37 (hg19) VCF-style: chr17-39925752-T-G.
Other names: c.386A>C, p.His129Pro (NM_001352773.2, NM_001352774.2, NM_001352775.2 and 3 more transcripts); short protein forms H129P.
Identifiers: ClinVar variation 3749983 (VCV003749983.2).